The following is an entry in ClinVar:

Conditions:
Breast-ovarian cancer, familial, susceptibility to, 1 (BROVCA1). Also called: BRCA1 Hereditary Breast and Ovarian Cancer; OVARIAN CANCER, SUSCEPTIBILITY TO. Identifiers: Orphanet 145, MedGen C2676676, MONDO:0011450, OMIM 604370. Disease mechanism: loss of function.

Submission:

Brotman Baty Institute, University of Washington
No classification provided (evidence only). Condition: Breast-ovarian cancer, familial 1. Review status: no classification provided. Collection method: in vitro. Allele origin: not applicable. Functional consequence: functionally_normal.
ClinVar note: "not provided" was previously submitted as the classification for the variant. However, the classification appeared to be based only on an observation of functional data so it was converted to no classification on 2025-07-30.

NM_007294.4(BRCA1):c.5193+3A>C

Gene: BRCA1 (BRCA1 DNA repair associated; minus strand). Cytogenetic location: 17q21.31.
Variant type: single nucleotide variant.
Coding change: c.5193+3A>C on transcript NM_007294.4 (MANE Select); 3 bases into the intron after coding-DNA position 5193, A replaced by C.
Molecular consequence: intron variant.
Genome position (GRCh38, 1-based): chr17:43,063,330, T>G on the plus strand (A>C on the coding strand, the complement: BRCA1 is on the minus strand). VCF-style: chr17-43063330-T-G. GRCh37 (hg19) VCF-style: chr17-41215347-T-G.
Other names: c.1950+3A>C (NM_001407971.1, NM_001407970.1); c.1875+3A>C (NM_001408406.1, NM_001408408.1, NM_001408407.1); c.5187+3A>C (NM_001407641.1, NM_001407629.1, NM_001407636.1 and 14 more transcripts); c.5190+3A>C (NM_001407624.1, NM_001407858.1, NM_001407616.1 and 17 more transcripts); c.5256+3A>C (NM_007300.4, NM_001407583.1, NM_001407587.1 and 1 more transcripts); c.5259+3A>C (NM_001407581.1, NM_001407582.1); c.4686+3A>C (NM_001407965.1); c.4926+3A>C (NM_001407930.1, NM_001407933.1, NM_001407927.1 and 4 more transcripts); and 72 more.
Identifiers: ClinVar variation 868129 (VCV000868129.3), dbSNP rs1060502326, ClinGen allele CA916080039.